The following is an entry in ClinVar:

ClinVar aggregate classification (germline): Uncertain significance (1 of 4 stars; one submission).

gnomAD v4.1: 4 of 1,612,842 alleles (0.00025%); highest among the groups gnomAD compares: East Asian, 0.0022%; no homozygotes.

Submission:

Labcorp Genetics (formerly Invitae), Labcorp
Classification: Uncertain significance. Last evaluated: 2022-10-06. Review status: criteria provided, single submitter. Criteria: Invitae Variant Classification Sherloc (09022015). Collection method: clinical testing. Allele origin: germline.
Comment: In summary, the available evidence is currently insufficient to determine the role of this variant in disease. Therefore, it has been classified as a Variant of Uncertain Significance. Algorithms developed to predict the effect of missense changes on protein structure and function (SIFT, PolyPhen-2, Align-GVGD) all suggest that this variant is likely to be tolerated. This variant has not been reported in the literature in individuals affected with ITPR1-related conditions. This variant is not present in population databases (gnomAD no frequency). This sequence change replaces glutamic acid, which is acidic and polar, with alanine, which is neutral and non-polar, at codon 1142 of the ITPR1 protein (p.Glu1142Ala).

NM_001378452.1(ITPR1):c.3497A>C (p.Glu1166Ala)

Gene: ITPR1 (inositol 1,4,5-trisphosphate receptor type 1; plus strand). Cytogenetic location: 3p26.1.
Variant type: single nucleotide variant.
Coding change: c.3497A>C on transcript NM_001378452.1 (MANE Select); coding-DNA position 3497, A replaced by C.
Protein change: p.Glu1166Ala; replaces glutamic acid 1166 with alanine.
Molecular consequence: missense variant.
Genome position (GRCh38, 1-based): chr3:4,683,797, A>C. VCF-style: chr3-4683797-A-C. GRCh37 (hg19) VCF-style: chr3-4725481-A-C.
Other names: c.3470A>C, p.Glu1157Ala (NM_001099952.4); c.3452A>C, p.Glu1151Ala (NM_001168272.2); c.3425A>C, p.Glu1142Ala (NM_002222.7); short protein forms E1142A, E1166A, E1151A, E1157A.
Identifiers: ClinVar variation 2198760 (VCV002198760.4), dbSNP rs1407011714, ClinGen allele CA351651258.
Genomic context (GRCh38, chr3:4,683,797, plus strand): 5'-GGCAGGGCCCCGATGAGACTATGGATGGTGCATCTGGAGAAAATGAACATAAGAAAACGG[A>C]GGTGAGTGAAACACAAGTTATGCTGCCAAAGTGGATGGATGGGCTTCTCGAAACTAGGGA-3'
Protein context (NP_001365381.1, residues 1156-1176): ASGENEHKKT[Glu1166Ala]EGNNKPQKHE